The following is an entry in ClinVar:

NM_001040151.2(SCN3B):c.20T>G (p.Leu7Trp)

Gene: SCN3B (sodium voltage-gated channel beta subunit 3; minus strand). Cytogenetic location: 11q24.1.
Variant type: single nucleotide variant.
Coding change: c.20T>G on transcript NM_001040151.2 (MANE Select); coding-DNA position 20, T replaced by G.
Protein change: p.Leu7Trp; replaces leucine 7 with tryptophan.
Molecular consequence: missense variant.
Genome position (GRCh38, 1-based): chr11:123,653,782, A>C on the plus strand (T>G on the coding strand, the complement: SCN3B is on the minus strand). VCF-style: chr11-123653782-A-C. GRCh37 (hg19) VCF-style: chr11-123524490-A-C.
Other names: c.20T>G, p.Leu7Trp (NM_018400.4); short protein forms L7W.
Identifiers: ClinVar variation 3624374 (VCV003624374.2).

ClinVar aggregate classification (germline): Uncertain significance (1 of 4 stars; one submission).

Conditions:
Brugada syndrome 7 (BRGDA7). Identifiers: Orphanet 130, MedGen C2751088, MONDO:0013146, OMIM 613120.

gnomAD v4.1: 12 of 1,614,108 alleles (0.00074%); highest among the groups gnomAD compares: South Asian, 0.0044%; no homozygotes.

Submission:

Labcorp Genetics (formerly Invitae), Labcorp
Classification: Uncertain significance for Brugada syndrome 7. Last evaluated: 2025-03-24. Review status: criteria provided, single submitter. Criteria: Invitae Variant Classification Sherloc (09022015). Collection method: clinical testing. Allele origin: germline.
Comment: This sequence change replaces leucine, which is neutral and non-polar, with tryptophan, which is neutral and slightly polar, at codon 7 of the SCN3B protein (p.Leu7Trp). This variant is present in population databases (rs763529920, gnomAD 0.002%). This variant has not been reported in the literature in individuals affected with SCN3B-related conditions. An algorithm developed to predict the effect of missense changes on protein structure and function outputs the following: PolyPhen-2: "Benign". The tryptophan amino acid residue is found in multiple mammalian species, which suggests that this missense change does not adversely affect protein function. In summary, the available evidence is currently insufficient to determine the role of this variant in disease. Therefore, it has been classified as a Variant of Uncertain Significance.